The following is an entry in ClinVar:

NM_015570.4(AUTS2):c.977A>G (p.Gln326Arg)

Gene: AUTS2 (activator of transcription and developmental regulator AUTS2; plus strand). Cytogenetic location: 7q11.22.
Variant type: single nucleotide variant.
Coding change: c.977A>G on transcript NM_015570.4 (MANE Select); coding-DNA position 977, A replaced by G.
Protein change: p.Gln326Arg; replaces glutamine 326 with arginine.
Molecular consequence: missense variant.
Genome position (GRCh38, 1-based): chr7:70,763,104, A>G. VCF-style: chr7-70763104-A-G. GRCh37 (hg19) VCF-style: chr7-70228090-A-G.
Other names: c.977A>G, p.Gln326Arg (NM_001127231.3); c.977A>G (NM_015570.2); short protein forms Q326R.
Identifiers: ClinVar variation 3665129 (VCV003665129.3).

ClinVar aggregate classification (germline): Uncertain significance. Review status: criteria provided, multiple submitters, no conflicts (2 of 4 stars). 2 submissions from 2 submitters: Uncertain significance (2). Last evaluated 2025-11-05.

Conditions:
Inborn genetic diseases. Identifiers: MedGen C0950123, MeSH D030342.

gnomAD v4.1: 15 of 1,613,936 alleles (0.00093%); highest among the groups gnomAD compares: South Asian, 0.0088%; no homozygotes.

Submissions (2):

Ambry Genetics
Classification: Uncertain significance for Inborn genetic diseases. Last evaluated: 2025-11-05. Review status: criteria provided, single submitter. Criteria: Ambry Variant Classification Scheme 2023. Collection method: clinical testing. Allele origin: germline.
Comment: The c.977A>G (p.Q326R) alteration is located in exon 7 (coding exon 7) of the AUTS2 gene. This alteration results from a A to G substitution at nucleotide position 977, causing the glutamine (Q) at amino acid position 326 to be replaced by an arginine (R). Based on data from gnomAD, the G allele has an overall frequency of 0.001% (4/281834) total alleles studied. The highest observed frequency was 0.007% (2/30606) of South Asian alleles. Based on insufficient or conflicting evidence, the clinical significance of this alteration remains unclear.

Labcorp Genetics (formerly Invitae), Labcorp
Classification: Uncertain significance. Last evaluated: 2024-09-15. Review status: criteria provided, single submitter. Criteria: Invitae Variant Classification Sherloc (09022015). Collection method: clinical testing. Allele origin: germline.
Comment: This sequence change replaces glutamine, which is neutral and polar, with arginine, which is basic and polar, at codon 326 of the AUTS2 protein (p.Gln326Arg). This variant is present in population databases (rs759351368, gnomAD 0.006%). This variant has not been reported in the literature in individuals affected with AUTS2-related conditions. An algorithm developed to predict the effect of missense changes on protein structure and function outputs the following: PolyPhen-2: "Benign". The arginine amino acid residue is found in multiple mammalian species, which suggests that this missense change does not adversely affect protein function. In summary, the available evidence is currently insufficient to determine the role of this variant in disease. Therefore, it has been classified as a Variant of Uncertain Significance.